The following is an entry in ClinVar:

ClinVar aggregate classification (germline): Uncertain significance. Review status: criteria provided, multiple submitters, no conflicts (2 of 4 stars). 4 submissions from 4 submitters: Uncertain significance (4). Last evaluated 2025-08-11.

Conditions:
Cardiovascular phenotype. Identifiers: MedGen CN230736.
Cardiac arrhythmia. Also called: Arrhythmia; Cardiac rhythm disease. Identifiers: MedGen C0003811, MONDO:0007263, HP:0011675.
Long QT syndrome 2 (LQT2). Identifiers: Orphanet 101016, Orphanet 768, MedGen C3150943, MONDO:0013367, OMIM 613688.
Short QT syndrome type 1. Identifiers: Orphanet 51083, MedGen C1865020, MONDO:0012312, OMIM 609620.
Long QT syndrome (LQTS). Identifiers: MedGen C0023976, MeSH D008133, MONDO:0002442. Disease mechanism: loss of function. Inheritance: Various modes of inheritance.

Allele frequency attached by ClinVar (database versions not stated): TOPMed 0.00003.
gnomAD v4.1: 4 of 1,530,302 alleles (0.00026%); highest among the groups gnomAD compares: African/African-American, 0.0041%; no homozygotes.

Submissions (4):

Ambry Genetics
Classification: Uncertain significance for Cardiovascular phenotype. Last evaluated: 2025-08-11. Review status: criteria provided, single submitter. Criteria: Ambry Variant Classification Scheme 2023. Collection method: clinical testing. Allele origin: germline.
Comment: The p.T899K variant (also known as c.2696C>A), located in coding exon 12 of the KCNH2 gene, results from a C to A substitution at nucleotide position 2696. The threonine at codon 899 is replaced by lysine, an amino acid with similar properties. This amino acid position is poorly conserved in available vertebrate species. In addition, the in silico prediction for this alteration is inconclusive. Based on the available evidence, the clinical significance of this variant remains unclear.

Color Diagnostics, LLC DBA Color Health
Classification: Uncertain significance for Cardiac arrhythmia. Last evaluated: 2024-02-25. Review status: criteria provided, single submitter. Criteria: ACMG Guidelines, 2015. Collection method: clinical testing. Allele origin: germline.
Comment: This missense variant replaces threonine with lysine at codon 899 of the KCNH2 protein. Computational prediction suggests that this variant may not impact protein structure and function (internally defined REVEL score threshold <= 0.5, PMID: 27666373). To our knowledge, functional studies have not been reported for this variant. This variant has not been reported in individuals affected with KCNH2-related disorders in the literature. This variant has not been identified in the general population by the Genome Aggregation Database (gnomAD). The available evidence is insufficient to determine the role of this variant in disease conclusively. Therefore, this variant is classified as a Variant of Uncertain Significance.

Labcorp Genetics (formerly Invitae), Labcorp
Classification: Uncertain significance for Long QT syndrome. Last evaluated: 2022-03-18. Review status: criteria provided, single submitter. Criteria: Invitae Variant Classification Sherloc (09022015). Collection method: clinical testing. Allele origin: germline.
Comment: This sequence change replaces threonine, which is neutral and polar, with lysine, which is basic and polar, at codon 899 of the KCNH2 protein (p.Thr899Lys). This variant is not present in population databases (gnomAD no frequency). This variant has not been reported in the literature in individuals affected with KCNH2-related conditions. ClinVar contains an entry for this variant (Variation ID: 1006883). Algorithms developed to predict the effect of missense changes on protein structure and function (SIFT, PolyPhen-2, Align-GVGD) all suggest that this variant is likely to be tolerated. In summary, the available evidence is currently insufficient to determine the role of this variant in disease. Therefore, it has been classified as a Variant of Uncertain Significance.

Fulgent Genetics
Classification: Uncertain significance for Short QT syndrome type 1; Long QT syndrome 2. Last evaluated: 2021-09-09. Review status: criteria provided, single submitter. Criteria: ACMG Guidelines, 2015. Collection method: clinical testing. Allele origin: unknown.

NM_000238.4(KCNH2):c.2696C>A (p.Thr899Lys)

Gene: KCNH2 (potassium voltage-gated channel subfamily H member 2; minus strand). Cytogenetic location: 7q36.1.
Variant type: single nucleotide variant.
Coding change: c.2696C>A on transcript NM_000238.4 (MANE Select); coding-DNA position 2696, C replaced by A.
Protein change: p.Thr899Lys; replaces threonine 899 with lysine.
Molecular consequence: missense variant.
Genome position (GRCh38, 1-based): chr7:150,947,875, G>T on the plus strand (C>A on the coding strand, the complement: KCNH2 is on the minus strand). VCF-style: chr7-150947875-G-T. GRCh37 (hg19) VCF-style: chr7-150644963-G-T.
Other names: c.1676C>A, p.Thr559Lys (NM_172057.3); c.2696C>A (NM_000238.3); short protein forms T559K, T899K.
Identifiers: ClinVar variation 1006883 (VCV001006883.11), dbSNP rs1480554629, ClinGen allele CA369853570.